The following is an entry in ClinVar:

NM_020964.3(EPG5):c.*166T>G

Gene: EPG5 (ectopic P-granules 5 autophagy tethering factor; minus strand). Cytogenetic location: 18q12.3.
Variant type: single nucleotide variant.
Coding change: c.*166T>G on transcript NM_020964.3 (MANE Select); 166 bases downstream of the stop codon, T replaced by G.
Molecular consequence: 3 prime UTR variant.
Genome position (GRCh38, 1-based): chr18:45,852,301, A>C on the plus strand (T>G on the coding strand, the complement: EPG5 is on the minus strand). VCF-style: chr18-45852301-A-C. GRCh37 (hg19) VCF-style: chr18-43432266-A-C.
Other names: c.*166T>G (NM_001410859.1).
Identifiers: ClinVar variation 1708713 (VCV001708713.2), dbSNP rs549239204, ClinGen allele CA299685473.

ClinVar aggregate classification (germline): Likely benign (1 of 4 stars; one submission).

Allele frequency attached by ClinVar (database versions not stated): gnomAD 0.00424; 1000 Genomes Project 30x 0.00484; 1000 Genomes Project 0.00499; TOPMed 0.00500.
gnomAD v4.1: 877 of 607,332 alleles (0.14%); highest among the groups gnomAD compares: African/African-American, 1.5%; 8 homozygotes.

Submission:

GeneDx
Classification: Likely benign. Last evaluated: 2021-05-21. Review status: criteria provided, single submitter. Criteria: GeneDx Variant Classification Process June 2021. Collection method: clinical testing. Allele origin: germline. Affected: yes.
Comment: See Variant Classification Assertion Criteria.